The following is an entry in ClinVar:

NM_006031.6(PCNT):c.2414C>T (p.Ala805Val)

Gene: PCNT (pericentrin; plus strand). Cytogenetic location: 21q22.3.
Variant type: single nucleotide variant.
Coding change: c.2414C>T on transcript NM_006031.6 (MANE Select); coding-DNA position 2414, C replaced by T.
Protein change: p.Ala805Val; replaces alanine 805 with valine.
Molecular consequence: missense variant.
Genome position (GRCh38, 1-based): chr21:46,363,739, C>T. VCF-style: chr21-46363739-C-T. GRCh37 (hg19) VCF-style: chr21-47783654-C-T.
Other names: c.2060C>T, p.Ala687Val (NM_001315529.2); short protein forms A687V, A805V.
Identifiers: ClinVar variation 5026360 (VCV005026360.1).
Genomic context (GRCh38, chr21:46,363,739, plus strand): 5'-TCATAAACAAGTTTGAGCTTCGAGAAGCTGAAATGAGGCAGCTTCAGGACCAACAGGCAG[C>T]CCAGATCCTGGATCTGGAGAGGTCCTTGACGGAGCAGCAGGGCCGCCTGCAGCAGCTGGA-3'
Protein context (NP_006022.3, residues 795-815): EMRQLQDQQA[Ala805Val]QILDLERSLT

ClinVar aggregate classification (germline): Uncertain significance (1 of 4 stars; one submission).

Conditions:
Inborn genetic diseases. Identifiers: MedGen C0950123, MeSH D030342.

gnomAD v4.1: 6 of 1,614,096 alleles (0.00037%); highest among the groups gnomAD compares: African/African-American, 0.008%; no homozygotes.

Submission:

Ambry Genetics
Classification: Uncertain significance for Inborn genetic diseases. Last evaluated: 2026-08-31. Review status: criteria provided, single submitter. Criteria: Ambry Variant Classification Scheme 2023. Collection method: clinical testing. Allele origin: germline.
Comment: The c.2414C>T (p.A805V) alteration is located in exon 14 (coding exon 14) of the PCNT gene. This alteration results from a C to T substitution at nucleotide position 2414, causing the alanine (A) at amino acid position 805 to be replaced by a valine (V). Based on data from gnomAD, the T allele has an overall frequency of 0.002% (5/282774) total alleles studied. The highest observed frequency was 0.02% (5/24964) of African alleles. Based on insufficient or conflicting evidence, the clinical significance of this alteration remains unclear.